The following is an entry in ClinVar:

ClinVar aggregate classification (germline): Benign (1 of 4 stars; one submission).

Conditions:
Pheochromocytoma/paraganglioma syndrome 5. Also called: Paragangliomas 5; SDHA-Related Hereditary Paraganglioma-Pheochromocytoma Syndrome. Identifiers: Orphanet 29072, MedGen C3279992, MONDO:0013602, OMIM 614165.

gnomAD v4.1: 1 of 1,614,000 alleles (0.000062%); highest among the groups gnomAD compares: South Asian, 0.0011%; no homozygotes.

Submission:

Myriad Genetics, Inc.
Classification: Benign for Pheochromocytoma/paraganglioma syndrome 5. Last evaluated: 2025-03-11. Review status: criteria provided, single submitter. Criteria: Myriad Autosomal Dominant, Autosomal Recessive and X-Linked Classification Criteria (2023). Collection method: clinical testing. Allele origin: unknown.
Comment: This variant is considered benign. This variant is a silent/synonymous amino acid change and it is not expected to impact splicing.

NM_004168.4(SDHA):c.1780A>C (p.Arg594=)

Gene: SDHA (succinate dehydrogenase complex flavoprotein subunit A; plus strand). Cytogenetic location: 5p15.33.
Variant type: single nucleotide variant.
Coding change: c.1780A>C on transcript NM_004168.4 (MANE Select); coding-DNA position 1780, A replaced by C.
Protein change: p.Arg594=; no amino-acid change (arginine 594 retained).
Molecular consequence: synonymous variant. On other transcripts: intron variant (1).
Genome position (GRCh38, 1-based): chr5:251,454, A>C. VCF-style: chr5-251454-A-C. GRCh37 (hg19) VCF-style: chr5-251569-A-C.
Other names: c.1636A>C, p.Arg546= (NM_001294332.2); c.1552-2939A>C (NM_001330758.2).
Identifiers: ClinVar variation 3904393 (VCV003904393.1).